The following is an entry in ClinVar:

ClinVar aggregate classification (germline): Pathogenic (1 of 4 stars; one submission).

Submission:

Labcorp Genetics (formerly Invitae), Labcorp
Classification: Pathogenic. Last evaluated: 2022-02-02. Review status: criteria provided, single submitter. Criteria: Invitae Variant Classification Sherloc (09022015). Collection method: clinical testing. Allele origin: germline.
Comment: This variant is a gross deletion of the genomic region encompassing exon(s) 1 of the FKBP10 gene, which includes the initiator codon. This deletion extends beyond the assayed region for this gene and therefore may encompass additional genes. It is expected to result in an absent or disrupted protein product. Loss-of-function variants in FKBP10 are known to be pathogenic (PMID: 22689593, 22949511). This variant has not been reported in the literature in individuals affected with FKBP10-related conditions. For these reasons, this variant has been classified as Pathogenic.

Literature cited by the submitters: PubMed 22689593; PubMed 22949511.

NC_000017.10:g.(?_39969287)_(39969551_?)del

Gene: FKBP10 (FKBP prolyl isomerase 10; plus strand). Cytogenetic location: 17q21.2.
Variant type: Deletion.
Identifiers: ClinVar variation 2426694 (VCV002426694.4).